The following is an entry in ClinVar:

ClinVar aggregate classification (germline): Conflicting classifications of pathogenicity. Review status: criteria provided, conflicting classifications (1 of 4 stars). 4 submissions from 4 submitters: Pathogenic (1); Likely pathogenic (2); Uncertain significance (1). Last evaluated 2026-08-06.

Conditions:
TMEM67-related disorder. Also called: TMEM67-related condition; TMEM67-related disorders. Identifiers: MedGen CN239423.
Meckel-Gruber syndrome. Also called: DYSENCEPHALIA SPLANCHNOCYSTICA; GRUBER SYNDROME; Dysencephalia splachnocystica. Identifiers: Orphanet 564, MedGen C0265215, MONDO:0018921.
Joubert syndrome. Also called: JOUBERT-BOLTSHAUSER SYNDROME; Familial aplasia of the vermis. Identifiers: Orphanet 475, MedGen C5979921, MONDO:0018772.
Joubert syndrome 6 (JBTS6). Identifiers: Orphanet 475, MedGen C1853153, MONDO:0012539, OMIM 610688.

Allele frequency attached by ClinVar (database versions not stated): gnomAD exomes below 0.00001; ExAC 0.00001; gnomAD 0.00001; TOPMed 0.00001.
gnomAD v4.1: 5 of 1,614,022 alleles (0.00031%); highest among the groups gnomAD compares: Middle Eastern, 0.016%; 1 homozygote.

Submissions (4):

OLLIN Analises Genomicas, OLLIN
Classification: Likely pathogenic for Joubert syndrome 6. Last evaluated: 2026-08-06. Review status: criteria provided, single submitter. Criteria: ACMG Guidelines 2015 PMID 25741868. Collection method: clinical testing. Allele origin: germline. Inheritance: Autosomal recessive inheritance.
Comment: This missense variant, located in exon 16 (of 28), has been reported in ClinVar (accession VCV002627377.1), in gnomAD with an allele frequency of 0.00031%, and in the scientific literature, in compound heterozygosity, in individuals with TMEM67 related disorders (PMID: 37131188, 17160906). In silico analysis predicts that this variant has a deleterious effect. According to the currently available evidence, this variant has been classified as likely pathogenic (PM2_P, PM3_S, PP3_M).

Labcorp Genetics (formerly Invitae), Labcorp
Classification: Pathogenic for Joubert syndrome; Meckel-Gruber syndrome. Last evaluated: 2026-01-13. Review status: criteria provided, single submitter. Criteria: Invitae Variant Classification Sherloc (09022015). Collection method: clinical testing. Allele origin: germline.
Comment: This sequence change replaces glycine, which is neutral and non-polar, with glutamic acid, which is acidic and polar, at codon 545 of the TMEM67 protein (p.Gly545Glu). This variant is present in population databases (rs267607114, gnomAD 0.0009%). This missense change has been observed in individual(s) with Joubert syndrome (PMID: 17160906). In at least one individual the data is consistent with being in trans (on the opposite chromosome) from a pathogenic variant. ClinVar contains an entry for this variant (Variation ID: 1374). Invitae Evidence Modeling of protein sequence and biophysical properties (such as structural, functional, and spatial information, amino acid conservation, physicochemical variation, residue mobility, and thermodynamic stability) indicates that this missense variant is expected to disrupt TMEM67 protein function with a positive predictive value of 95%. For these reasons, this variant has been classified as Pathogenic.

PreventionGenetics, part of Exact Sciences
Classification: Uncertain significance for TMEM67-related condition. Last evaluated: 2025-10-16. Review status: criteria provided, single submitter. Criteria: ACMG Guidelines, 2015. Collection method: clinical testing. Allele origin: germline.
Comment: The TMEM67 c.1634G>A variant is predicted to result in the amino acid substitution p.Gly545Glu. This variant was reported in the compound heterozygous state in an individual with Joubert syndrome (Baala et al. 2007. PubMed ID: 17160906). This variant is reported in 0.00088% of alleles in individuals of European (Non-Finnish) descent in gnomAD v2. However, in gnomAD v4 (available only on GRCh38), this variant is reported in 0.01644% of alleles in individuals of Middle Eastern descent, including 1 homozygote. At this time, the clinical significance of this variant is uncertain due to the absence of conclusive functional and genetic evidence.

CeGaT Center for Human Genetics Tuebingen
Classification: Likely pathogenic. Last evaluated: 2024-10-01. Review status: criteria provided, single submitter. Criteria: CeGaT Center For Human Genetics Tuebingen Variant Classification Criteria Version 2. Collection method: clinical testing. Allele origin: germline. Affected: yes. Observed: 1 variant allele.
Comment: TMEM67: PM3:Strong, PM2, PP4

Literature cited by the submitters: PubMed 37131188 (cited by OLLIN Analises Genomicas, OLLIN); PubMed 17160906 (cited by OLLIN Analises Genomicas, OLLIN and Labcorp Genetics (formerly Invitae), Labcorp).

NM_153704.6(TMEM67):c.1634G>A (p.Gly545Glu)

Gene: TMEM67 (transmembrane protein 67; plus strand). Cytogenetic location: 8q22.1.
Variant type: single nucleotide variant.
Coding change: c.1634G>A on transcript NM_153704.6 (MANE Select); coding-DNA position 1634, G replaced by A.
Protein change: p.Gly545Glu; replaces glycine 545 with glutamic acid.
Molecular consequence: missense variant. On other transcripts: non-coding transcript variant (1).
Genome position (GRCh38, 1-based): chr8:93,793,256, G>A. VCF-style: chr8-93793256-G-A. GRCh37 (hg19) VCF-style: chr8-94805484-G-A.
Other names: c.1391G>A, p.Gly464Glu (NM_001142301.1); short protein forms G545E, G464E.
Identifiers: ClinVar variation 1374 (VCV000001374.21), dbSNP rs267607114, ClinGen allele CA251766.